The following is an entry in ClinVar:

ClinVar aggregate classification (germline): Uncertain significance. Review status: criteria provided, multiple submitters, no conflicts (2 of 4 stars). 4 submissions from 4 submitters: Uncertain significance (4). Last evaluated 2025-10-19.

Conditions:
RP1-related disorder. Also called: RP1-related condition.
Retinitis pigmentosa (RP). Identifiers: Orphanet 791, MedGen C0035334, MeSH D012174, MONDO:0019200, OMIM 268000. Inheritance: Autosomal dominant, autosomal recessive and X linked inheritance.

Allele frequency attached by ClinVar (database versions not stated): gnomAD exomes 0.00003 and 0.00004; ExAC 0.00008; gnomAD 0.00009; TOPMed 0.00011; ESP Exome Variant Server 0.00015; 1000 Genomes Project 30x 0.00016; 1000 Genomes Project 0.00020.
gnomAD v4.1: 70 of 1,613,856 alleles (0.0043%); highest among the groups gnomAD compares: African/African-American, 0.061%; no homozygotes.

Submissions (4):

Labcorp Genetics (formerly Invitae), Labcorp
Classification: Uncertain significance. Last evaluated: 2025-10-19. Review status: criteria provided, single submitter. Criteria: Invitae Variant Classification Sherloc (09022015). Collection method: clinical testing. Allele origin: germline.
Comment: This sequence change replaces aspartic acid, which is acidic and polar, with histidine, which is basic and polar, at codon 1014 of the RP1 protein (p.Asp1014His). This variant is present in population databases (rs200186332, gnomAD 0.04%). This missense change has been observed in individual(s) with clinical features of retinal dystrophy (internal data). ClinVar contains an entry for this variant (Variation ID: 862589). An algorithm developed to predict the effect of missense changes on protein structure and function (PolyPhen-2) suggests that this variant is likely to be disruptive. In summary, the available evidence is currently insufficient to determine the role of this variant in disease. Therefore, it has been classified as a Variant of Uncertain Significance.

Blueprint Genetics
Classification: Uncertain significance. Last evaluated: 2024-10-09. Review status: criteria provided, single submitter. Criteria: ACMG Guidelines, 2015. Collection method: clinical testing. Allele origin: germline.

PreventionGenetics, part of Exact Sciences
Classification: Uncertain significance for RP1-related condition. Last evaluated: 2023-09-15. Review status: criteria provided, single submitter. Criteria: ACMG Guidelines, 2015. Collection method: clinical testing. Allele origin: germline.
Comment: The RP1 c.3040G>C variant is predicted to result in the amino acid substitution p.Asp1014His. To our knowledge, this variant has not been reported in the literature. This variant is reported in 0.036% of alleles in individuals of African descent in gnomAD. At this time, the clinical significance of this variant is uncertain due to the absence of conclusive functional and genetic evidence.

Illumina Laboratory Services, Illumina
Classification: Uncertain significance for Retinitis pigmentosa. Last evaluated: 2018-01-13. Review status: criteria provided, single submitter. Criteria: ICSL Variant Classification Criteria 13 December 2019. Collection method: clinical testing. Allele origin: germline.

NM_006269.2(RP1):c.3040G>C (p.Asp1014His)

Gene: RP1 (RP1 axonemal microtubule associated; plus strand). Cytogenetic location: 8q12.1.
Variant type: single nucleotide variant.
Coding change: c.3040G>C on transcript NM_006269.2 (MANE Select); coding-DNA position 3040, G replaced by C.
Protein change: p.Asp1014His; replaces aspartic acid 1014 with histidine.
Molecular consequence: missense variant. On other transcripts: intron variant (1).
Genome position (GRCh38, 1-based): chr8:54,626,922, G>C. VCF-style: chr8-54626922-G-C. GRCh37 (hg19) VCF-style: chr8-55539482-G-C.
Other names: c.787+4634G>C (NM_001375654.1); short protein forms D1014H.
Identifiers: ClinVar variation 862589 (VCV000862589.15), dbSNP rs200186332, ClinGen allele CA4751629.